The following is an entry in ClinVar:

ClinVar aggregate classification (germline): Uncertain significance (1 of 4 stars; one submission).

gnomAD v4.1: 6 of 1,614,082 alleles (0.00037%); highest among the groups gnomAD compares: South Asian, 0.0044%; no homozygotes.

Submission:

GeneDx
Classification: Uncertain significance. Last evaluated: 2024-06-12. Review status: criteria provided, single submitter. Criteria: GeneDx Variant Classification Process June 2021. Collection method: clinical testing. Allele origin: germline. Affected: yes.
Comment: Not observed at significant frequency in large population cohorts (gnomAD); In silico analysis indicates that this missense variant does not alter protein structure/function; Has not been previously published as pathogenic or benign to our knowledge

NM_001197104.2(KMT2A):c.8604G>C (p.Glu2868Asp)

Gene: KMT2A (lysine methyltransferase 2A; plus strand). Cytogenetic location: 11q23.3.
Variant type: single nucleotide variant.
Coding change: c.8604G>C on transcript NM_001197104.2 (MANE Select); coding-DNA position 8604, G replaced by C.
Protein change: p.Glu2868Asp; replaces glutamic acid 2868 with aspartic acid.
Molecular consequence: missense variant.
Genome position (GRCh38, 1-based): chr11:118,504,496, G>C. VCF-style: chr11-118504496-G-C. GRCh37 (hg19) VCF-style: chr11-118375211-G-C.
Other names: c.8694G>C, p.Glu2898Asp (NM_001412597.1); c.8595G>C, p.Glu2865Asp (NM_005933.4); short protein forms E2865D, E2868D, E2898D.
Identifiers: ClinVar variation 3390457 (VCV003390457.1).